The following is an entry in ClinVar:

NM_016284.5(CNOT1):c.4734T>C (p.Asn1578=)

Gene: CNOT1 (CCR4-NOT transcription complex subunit 1; minus strand). Cytogenetic location: 16q21.
Variant type: single nucleotide variant.
Coding change: c.4734T>C on transcript NM_016284.5 (MANE Select); coding-DNA position 4734, T replaced by C.
Protein change: p.Asn1578=; no amino-acid change (asparagine 1578 retained).
Molecular consequence: synonymous variant. On other transcripts: non-coding transcript variant (1).
Genome position (GRCh38, 1-based): chr16:58,541,567, A>G on the plus strand (T>C on the coding strand, the complement: CNOT1 is on the minus strand). VCF-style: chr16-58541567-A-G. GRCh37 (hg19) VCF-style: chr16-58575471-A-G.
Other names: c.4734T>C (NM_016284.4); c.4719T>C, p.Asn1573= (NM_001265612.2).
Identifiers: ClinVar variation 1971325 (VCV001971325.7), dbSNP rs766290876, ClinGen allele CA8089026.

ClinVar aggregate classification (germline): Likely benign. Review status: criteria provided, single submitter (1 of 4 stars). 2 submissions from 2 submitters: Likely benign (1). 1 of the submissions does not count toward it. Last evaluated 2024-01-22.

Conditions:
CNOT1-related disorder. Also called: CNOT1-related condition.

Allele frequency attached by ClinVar (database versions not stated): gnomAD exomes 0.00003; TOPMed 0.00004; ExAC 0.00007; gnomAD 0.00007.
gnomAD v4.1: 53 of 1,614,022 alleles (0.0033%); highest among the groups gnomAD compares: South Asian, 0.033%; 1 homozygote.

Submissions (2):

Labcorp Genetics (formerly Invitae), Labcorp
Classification: Likely benign. Last evaluated: 2024-01-22. Review status: criteria provided, single submitter. Criteria: Invitae Variant Classification Sherloc (09022015). Collection method: clinical testing. Allele origin: germline.

PreventionGenetics, part of Exact Sciences
Classification: Likely benign for CNOT1-related condition. Last evaluated: 2019-06-03. Review status: no assertion criteria provided. Collection method: clinical testing. Allele origin: germline. Not counted in ClinVar's aggregate classification.
Comment: This variant is classified as likely benign based on ACMG/AMP sequence variant interpretation guidelines (Richards et al. 2015 PMID: 25741868, with internal and published modifications).